The following is an entry in ClinVar:

ClinVar aggregate classification (germline): Pathogenic/Likely pathogenic. Review status: criteria provided, multiple submitters, no conflicts (2 of 4 stars). 11 submissions from 11 submitters: Pathogenic (9); Likely pathogenic (1). 1 of the submissions does not count toward it. Last evaluated 2026-01-30.

Conditions:
FH-related disorder. Also called: FH-related disorders; FH-related condition.
Hereditary cancer-predisposing syndrome. Also called: Hereditary neoplastic syndrome; Tumor predisposition; Neoplastic Syndromes, Hereditary; Hereditary Cancer Syndrome. Identifiers: Orphanet 140162, MedGen C0027672, MeSH D009386, MONDO:0015356.
Hereditary leiomyomatosis and renal cell cancer. Also called: Reed syndrome; Multiple cutaneous and uterine leiomyomatosis; Cutaneous leiomyomata with uterine leiomyomata; Leiomyoma, hereditary multiple, of skin; Multiple cutaneous and uterine leiomyomata; MULTIPLE CUTANEOUS AND UTERINE LEIOMYOMATA 1, WITH OR WITHOUT RENAL CELL CARCINOMA. Identifiers: Orphanet 523, MedGen C1708350, MONDO:0007888, OMIM 150800, HP:0007437. Disease mechanism: loss of function.
Fumarase deficiency (FMRD). Also called: Fumaric aciduria; Fumarate Hydratase Deficiency. Identifiers: Orphanet 24, MedGen C0342770, MONDO:0011730, OMIM 606812.

Allele frequency attached by ClinVar (database versions not stated): gnomAD exomes below 0.00001; TOPMed below 0.00001; ExAC 0.00001.
gnomAD v4.1: 6 of 1,614,180 alleles (0.00037%); highest among the groups gnomAD compares: Non-Finnish European, 0.00042%; no homozygotes.

Submissions (11):

Labcorp Genetics (formerly Invitae), Labcorp
Classification: Pathogenic. Last evaluated: 2026-01-30. Review status: criteria provided, single submitter. Criteria: Invitae Variant Classification Sherloc (09022015). Collection method: clinical testing. Allele origin: germline.
Comment: This sequence change creates a premature translational stop signal (p.Arg343*) in the FH gene. It is expected to result in an absent or disrupted protein product. Loss-of-function variants in FH are known to be pathogenic (PMID: 11865300, 21398687). This variant is present in population databases (rs121913122, gnomAD 0.004%). This premature translational stop signal has been observed in individuals with cutaneous and uterine leiomyomata, and renal cell cancer (PMID: 11865300, 21398687, 21404119, 25477250). It has also been observed to segregate with disease in related individuals. This variant is also known as c.898C>T, Arg300X, and/or R300X. ClinVar contains an entry for this variant (Variation ID: 16235). For these reasons, this variant has been classified as Pathogenic.

Blueprint Genetics
Classification: Pathogenic for FH-related disorders. Last evaluated: 2024-05-21. Review status: criteria provided, single submitter. Criteria: ACMG Guidelines, 2015. Collection method: clinical testing. Allele origin: germline. Affected: yes. Observed: 5 variant alleles.

Fulgent Genetics
Classification: Likely pathogenic for Hereditary leiomyomatosis and renal cell cancer; Fumarase deficiency. Last evaluated: 2024-01-30. Review status: criteria provided, single submitter. Criteria: ACMG Guidelines, 2015. Collection method: clinical testing. Allele origin: germline.

Ambry Genetics
Classification: Pathogenic for Hereditary cancer-predisposing syndrome. Last evaluated: 2024-01-23. Review status: criteria provided, single submitter. Criteria: Ambry Variant Classification Scheme 2023. Collection method: clinical testing. Allele origin: germline.
Comment: The p.R343* pathogenic mutation (also known as c.1027C>T), located in coding exon 7 of the FH gene, results from a C to T substitution at nucleotide position 1027. This changes the amino acid from an arginine to a stop codon within coding exon 7. This mutation was first reported in a hereditary leiomyomatosis and renal cell carcinoma (HLRCC) kindred with cutaneous and uterine leiomyomata and type II papillary renal cell cancer (RCC) (Tomlinson IP et al. Nat Genet. 2002 Apr;30(4):406-10). This mutation has also been reported in individuals with multiple leiomyomata but no personal history of RCC (Kiuru M et al. Cancer Res. 2002 Aug;62(16):4554-7; Gardie B et al. J. Med. Genet. 2011 Apr;48(4):226-34; Venables Z et al. Clin. Exp. Dermatol. 2015 Jan;40(1):99-100). Of note, this alteration is also designated as c.898C>T and p.Arg300X in published literature. In addition to the clinical data presented in the literature, this alteration is expected to result in loss of function by premature protein truncation or nonsense-mediated mRNA decay. As such, this alteration is interpreted as a disease-causing mutation.

Baylor Genetics
Classification: Pathogenic for Fumarase deficiency. Last evaluated: 2023-05-05. Review status: criteria provided, single submitter. Criteria: ACMG Guidelines, 2015. Collection method: clinical testing. Allele origin: unknown.

Myriad Genetics, Inc.
Classification: Pathogenic for Hereditary leiomyomatosis and renal cell cancer. Last evaluated: 2023-01-17. Review status: criteria provided, single submitter. Criteria: Myriad Autosomal Dominant, Autosomal Recessive and X-Linked Classification Criteria (2023). Collection method: clinical testing. Allele origin: unknown.
Comment: This variant is considered pathogenic. This variant creates a termination codon and is predicted to result in premature protein truncation.

GeneDx
Classification: Pathogenic. Last evaluated: 2022-02-07. Review status: criteria provided, single submitter. Criteria: GeneDx Variant Classification Process June 2021. Collection method: clinical testing. Allele origin: germline. Affected: yes.
Comment: Nonsense variant predicted to result in protein truncation or nonsense mediated decay in a gene for which loss-of-function is a known mechanism of disease; Observed in individuals with HLRCC-related diagnoses (Kiuru 2001, Tomlinson 2002, Gardie 2011, Venables 2015, Muller 2017, Seo 2021); Not observed at significant frequency in large population cohorts (gnomAD); Also known as R300X; This variant is associated with the following publications: (PMID: 25477250, 25525159, 21398687, 12761039, 16155190, 21404119, 28300276, 11865300, 12183404, 28152038, 33063682, 20618355, 11549574)

Quest Diagnostics Nichols Institute San Juan Capistrano
Classification: Pathogenic. Last evaluated: 2021-06-17. Review status: criteria provided, single submitter. Criteria: Quest Diagnostics criteria. Collection method: clinical testing. Allele origin: unknown.
Comment: The variant creates a premature nonsense codon, and is therefore predicted to result in the loss of a functional protein. The variant was found in at least one symptomatic patient, and found in general population data at a frequency that is consistent with pathogenicity.

Eurofins Ntd Llc (ga)
Classification: Pathogenic. Last evaluated: 2017-11-13. Review status: criteria provided, single submitter. Criteria: EGL Classification Definitions 2015. Collection method: clinical testing. Allele origin: germline. Observed: 1 variant allele, 1 heterozygote.

Genomic Diagnostic Laboratory, Division of Genomic Diagnostics, Children's Hospital of Philadelphia
Classification: Pathogenic for Hereditary leiomyomatosis and renal cell cancer. Last evaluated: 2017-01-17. Review status: criteria provided, single submitter. Criteria: DGD Variant Analysis Guidelines. Collection method: clinical testing. Allele origin: germline. Affected: yes. Observed: 1 variant allele.
Comment: Clinical Testing

OMIM
Classification: Pathogenic for HEREDITARY LEIOMYOMATOSIS AND RENAL CELL CANCER. Last evaluated: 2002-04-01. Review status: no assertion criteria provided. Collection method: literature only. Allele origin: germline. Not counted in ClinVar's aggregate classification.

Literature cited by the submitters: PubMed 11865300 (cited by 3 submitters); PubMed 21398687 (cited by Labcorp Genetics (formerly Invitae), Labcorp and Quest Diagnostics Nichols Institute San Juan Capistrano); PubMed 21404119 (cited by Labcorp Genetics (formerly Invitae), Labcorp and Quest Diagnostics Nichols Institute San Juan Capistrano); PubMed 25477250 (cited by Labcorp Genetics (formerly Invitae), Labcorp and Quest Diagnostics Nichols Institute San Juan Capistrano).

NM_000143.4(FH):c.1027C>T (p.Arg343Ter)

Gene: FH (fumarate hydratase; minus strand). Cytogenetic location: 1q43.
Variant type: single nucleotide variant.
Coding change: c.1027C>T on transcript NM_000143.4 (MANE Select); coding-DNA position 1027, C replaced by T.
Protein change: p.Arg343Ter; replaces arginine 343 with a stop codon.
Molecular consequence: nonsense.
Genome position (GRCh38, 1-based): chr1:241,504,123, G>A on the plus strand (C>T on the coding strand, the complement: FH is on the minus strand). VCF-style: chr1-241504123-G-A. GRCh37 (hg19) VCF-style: chr1-241667423-G-A.
Other names: R300*; p.R343*:CGA>TGA; short protein forms R343*.
Identifiers: ClinVar variation 16235 (VCV000016235.29), dbSNP rs121913122, ClinGen allele CA167294.
Genomic context (GRCh38, chr1:241,504,123, plus strand): 5'-GTTCATTTTCAGGCAAGATCAATTCTCCCAGACCTGACCGAGGACCAGAACCCAAAAATC[G>A]AATATCATTTGCTATCTTCATCAGACTGCAGGCAGTAGTGTTCATGGCTCCACTGAGCTC-3'